The following is an entry in ClinVar:

ClinVar aggregate classification (germline): Likely benign (1 of 4 stars; one submission).

Submission:

CeGaT Center for Human Genetics Tuebingen
Classification: Likely benign. Last evaluated: 2023-07-01. Review status: criteria provided, single submitter. Criteria: CeGaT Center For Human Genetics Tuebingen Variant Classification Criteria Version 2. Collection method: clinical testing. Allele origin: germline. Affected: yes. Observed: 1 variant allele.
Comment: ASPM: PM2:Supporting, BP4, BP7

NM_018136.5(ASPM):c.6468T>G (p.Gly2156=)

Gene: ASPM (assembly factor for spindle microtubules; minus strand). Cytogenetic location: 1q31.3.
Variant type: single nucleotide variant.
Coding change: c.6468T>G on transcript NM_018136.5 (MANE Select); coding-DNA position 6468, T replaced by G.
Protein change: p.Gly2156=; no amino-acid change (glycine 2156 retained).
Molecular consequence: synonymous variant. On other transcripts: intron variant (1).
Genome position (GRCh38, 1-based): chr1:197,102,783, A>C on the plus strand (T>G on the coding strand, the complement: ASPM is on the minus strand). VCF-style: chr1-197102783-A-C. GRCh37 (hg19) VCF-style: chr1-197071913-A-C.
Other names: c.4066-6619T>G (NM_001206846.2).
Identifiers: ClinVar variation 2639700 (VCV002639700.24), dbSNP rs2527297126, ClinGen allele CA422806464.